The following is an entry in ClinVar:

NM_015164.4(PLEKHM2):c.2066C>T (p.Ala689Val)

Gene: PLEKHM2 (pleckstrin homology and RUN domain containing M2; plus strand). Cytogenetic location: 1p36.21.
Variant type: single nucleotide variant.
Coding change: c.2066C>T on transcript NM_015164.4 (MANE Select); coding-DNA position 2066, C replaced by T.
Protein change: p.Ala689Val; replaces alanine 689 with valine.
Molecular consequence: missense variant.
Genome position (GRCh38, 1-based): chr1:15,729,181, C>T. VCF-style: chr1-15729181-C-T. GRCh37 (hg19) VCF-style: chr1-16055676-C-T.
Other names: c.2066C>T (NM_015164.2); short protein forms A689V.
Identifiers: ClinVar variation 1010035 (VCV001010035.10), dbSNP rs545971251, ClinGen allele CA617117.

ClinVar aggregate classification (germline): Uncertain significance. Review status: criteria provided, multiple submitters, no conflicts (2 of 4 stars). 2 submissions from 2 submitters: Uncertain significance (2). Last evaluated 2025-10-21.

Allele frequency attached by ClinVar (database versions not stated): gnomAD 0.00001 and 0.00003; ExAC 0.00002; gnomAD exomes 0.00002 and 0.00004; TOPMed 0.00004; 1000 Genomes Project 30x 0.00047; 1000 Genomes Project 0.00060.
gnomAD v4.1: 36 of 1,609,624 alleles (0.0022%); highest among the groups gnomAD compares: South Asian, 0.021%; no homozygotes.

Submissions (2):

Labcorp Genetics (formerly Invitae), Labcorp
Classification: Uncertain significance. Last evaluated: 2025-10-21. Review status: criteria provided, single submitter. Criteria: Invitae Variant Classification Sherloc (09022015). Collection method: clinical testing. Allele origin: germline.
Comment: This sequence change replaces alanine, which is neutral and non-polar, with valine, which is neutral and non-polar, at codon 689 of the PLEKHM2 protein (p.Ala689Val). This variant is present in population databases (rs545971251, gnomAD 0.02%). This variant has not been reported in the literature in individuals affected with PLEKHM2-related conditions. ClinVar contains an entry for this variant (Variation ID: 1010035). An algorithm developed to predict the effect of missense changes on protein structure and function (PolyPhen-2) suggests that this variant is likely to be tolerated. In summary, the available evidence is currently insufficient to determine the role of this variant in disease. Therefore, it has been classified as a Variant of Uncertain Significance.

Ambry Genetics
Classification: Uncertain significance. Last evaluated: 2025-08-03. Review status: criteria provided, single submitter. Criteria: Ambry Variant Classification Scheme 2023. Collection method: clinical testing. Allele origin: germline.